The following is an entry in ClinVar:

NM_007194.4(CHEK2):c.923_987del (p.Glu308fs)

Gene: CHEK2 (checkpoint kinase 2; minus strand). Cytogenetic location: 22q12.1.
Variant type: Deletion.
Coding change: c.923_987del on transcript NM_007194.4 (MANE Select); coding-DNA positions 923 to 987, 65 bases deleted.
Protein change: p.Glu308fs; shifts the reading frame from glutamic acid 308.
Molecular consequence: frameshift variant.
Genome position (GRCh38, 1-based): chr22:28,699,859-28,699,923, 65 bases deleted. GRCh37 (hg19): chr22:29,095,847-29,095,911.
Other names: c.1052_1116del65, p.Glu351Alafs (NM_001005735.3); c.260_324del65, p.Glu87Alafs (NM_001257387.3); c.722_786del65, p.Glu241Alafs (NM_001349956.3); c.923_987del65, p.Glu308Alafs (NM_145862.3); short protein forms E241fs, E308fs, E351fs, E87fs.
Identifiers: ClinVar variation 2583731 (VCV002583731.2), dbSNP rs2517847905, ClinGen allele CA2582342814.

ClinVar aggregate classification (germline): Pathogenic (1 of 4 stars; one submission).

Conditions:
Familial cancer of breast. Also called: Hereditary breast cancer; BREAST CANCER, FAMILIAL; hereditary breast carcinoma. Identifiers: Orphanet 227535, MedGen C0346153, MONDO:0016419, OMIM 114480. Disease mechanism: loss of function.

Submission:

Myriad Genetics, Inc.
Classification: Pathogenic for Familial cancer of breast. Last evaluated: 2023-06-27. Review status: criteria provided, single submitter. Criteria: Myriad Autosomal Dominant, Autosomal Recessive and X-Linked Classification Criteria (2023). Collection method: clinical testing. Allele origin: unknown.
Comment: This variant is considered pathogenic. This variant creates a frameshift predicted to result in premature protein truncation.